The following is an entry in ClinVar:

NC_000014.8:g.(?_102873665)_(102964066_?)dup

Gene: TECPR2 (tectonin beta-propeller repeat containing 2; plus strand). Cytogenetic location: 14q32.31.
Variant type: Duplication.
Identifiers: ClinVar variation 1519467 (VCV001519467.6).

ClinVar aggregate classification (germline): Likely pathogenic (1 of 4 stars; one submission).

Conditions:
Hereditary spastic paraplegia 49 (HSAN9). Also called: Spastic paraplegia 49, autosomal recessive; TECPR2-Related Hereditary Sensory and Autonomic Neuropathy with Intellectual Disability; NEUROPATHY, HEREDITARY SENSORY AND AUTONOMIC, TYPE IX, WITH DEVELOPMENTAL DELAY. Identifiers: Orphanet 320385, MedGen C5190860, MONDO:0014016, OMIM 615031.

Submission:

Labcorp Genetics (formerly Invitae), Labcorp
Classification: Likely pathogenic for Hereditary spastic paraplegia 49. Last evaluated: 2021-05-27. Review status: criteria provided, single submitter. Criteria: Invitae Variant Classification Sherloc (09022015). Collection method: clinical testing. Allele origin: germline.
Comment: In summary, the currently available evidence indicates that the variant is pathogenic, but additional data are needed to prove that conclusively. Therefore, this variant has been classified as Likely Pathogenic. This variant has not been reported in the literature in individuals with TECPR2-related conditions. This variant results in a copy number gain of the genomic region encompassing exon(s) 3-19 of the TECPR2 gene. While the exact position of this variant cannot be determined from the data, sub-genic copy number gains are generally in tandem (PMID: 25640679). This variant is predicted to be out-of-frame, and may result in an absent or disrupted protein product. Loss-of-function variants in TECPR2 are known to be pathogenic (PMID: 23176824, 25590979).

Literature cited by the submitters: PubMed 25640679; PubMed 23176824; PubMed 25590979.